The following is an entry in ClinVar:

ClinVar aggregate classification (germline): Pathogenic (1 of 4 stars; one submission).

Conditions:
Aortic aneurysm, familial thoracic 4 (AAT4). Also called: AORTIC ANEURYSM/AORTIC DISSECTION AND PATENT DUCTUS ARTERIOSUS. Identifiers: MedGen C1851504, MONDO:0007568, OMIM 132900.

gnomAD v4.1: 1 of 1,613,144 alleles (0.000062%); no homozygotes.

Submission:

Labcorp Genetics (formerly Invitae), Labcorp
Classification: Pathogenic for Aortic aneurysm, familial thoracic 4. Last evaluated: 2021-02-11. Review status: criteria provided, single submitter. Criteria: Invitae Variant Classification Sherloc (09022015). Collection method: clinical testing. Allele origin: germline.
Comment: For these reasons, this variant has been classified as Pathogenic. This variant has not been reported in the literature in individuals with MYH11-related conditions. This variant is not present in population databases (ExAC no frequency). This sequence change creates a premature translational stop signal (p.Gln1100*) in the MYH11 gene. It is expected to result in an absent or disrupted protein product. Loss-of-function variants in MYH11 are known to be pathogenic (PMID: 25407000, 29575632).

Literature cited by the submitters: PubMed 25407000; PubMed 29575632.

NM_002474.3(MYH11):c.3277C>T (p.Gln1093Ter)

Gene: MYH11 (myosin heavy chain 11; minus strand). Cytogenetic location: 16p13.11.
Variant type: single nucleotide variant.
Coding change: c.3277C>T on transcript NM_002474.3 (MANE Select); coding-DNA position 3277, C replaced by T.
Protein change: p.Gln1093Ter; replaces glutamine 1093 with a stop codon.
Molecular consequence: nonsense.
Genome position (GRCh38, 1-based): chr16:15,737,465, G>A on the plus strand (C>T on the coding strand, the complement: MYH11 is on the minus strand). VCF-style: chr16-15737465-G-A. GRCh37 (hg19) VCF-style: chr16-15831322-G-A.
Other names: c.3298C>T, p.Gln1100Ter (NM_001040113.2, NM_001040114.2); c.3277C>T, p.Gln1093Ter (NM_022844.3); short protein forms Q1093*, Q1100*.
Identifiers: ClinVar variation 1456354 (VCV001456354.6), dbSNP rs2151244040, ClinGen allele CA394862767.